The following is an entry in ClinVar:

NM_000038.6(APC):c.1857del (p.Thr621fs)

Gene: APC (APC regulator of Wnt signaling pathway; plus strand). Cytogenetic location: 5q22.2.
Variant type: Deletion.
Coding change: c.1857del on transcript NM_000038.6 (MANE Select); coding-DNA position 1857, one base deleted (T; older notation c.1857delT).
Protein change: p.Thr621fs; shifts the reading frame from threonine 621.
Molecular consequence: frameshift variant. On other transcripts: non-coding transcript variant (2).
Genome position (GRCh38, 1-based): chr5:112,835,064, T deleted. VCF-style (leftmost placement, unchanged base first): chr5-112835063-CT-C. GRCh37 (hg19) VCF-style: chr5-112170760-CT-C.
Other names: c.1857del, p.Thr621fs (NM_001127510.3, NM_001354895.2, NM_001407450.1); c.1803del, p.Thr603fs (NM_001127511.3); c.1911del, p.Thr639fs (NM_001354896.2, NM_001407447.1, NM_001407448.1 and 1 more transcripts); c.1887del, p.Thr631fs (NM_001354897.2); c.1782del, p.Thr596fs (NM_001354898.2); c.1773del, p.Thr593fs (NM_001354899.2); c.1734del, p.Thr580fs (NM_001354900.2); c.1680del, p.Thr562fs (NM_001354901.2, NM_001407453.1); and 11 more; short protein forms T237fs, T338fs, T461fs, T492fs, T495fs, T520fs, T530fs, T538fs.
Identifiers: ClinVar variation 2584239 (VCV002584239.2), dbSNP rs2533338279, ClinGen allele CA2582341339.
Genomic context (GRCh38, chr5:112,835,063, plus strand): 5'-GCACTGAGAATAAAGCTGATATATGTGCTGTAGATGGTGCACTTGCATTTTTGGTTGGCA[CT>C]CTTACTTACCGGAGCCAGACAAACACTTTAGCCATTATTGAAAGTGGAGGTGGGATATTA-3'

ClinVar aggregate classification (germline): Pathogenic (1 of 4 stars; one submission).

Conditions:
Familial adenomatous polyposis 1 (FAP1). Also called: FAMILIAL ADENOMATOUS POLYPOSIS 1, ATTENUATED; POLYPOSIS, ADENOMATOUS INTESTINAL. Identifiers: MedGen C2713442, MONDO:0021056, OMIM 175100. Disease mechanism: loss of function.

Submission:

Myriad Genetics, Inc.
Classification: Pathogenic for Familial adenomatous polyposis 1. Last evaluated: 2023-05-03. Review status: criteria provided, single submitter. Criteria: Myriad Autosomal Dominant, Autosomal Recessive and X-Linked Classification Criteria (2023). Collection method: clinical testing. Allele origin: unknown.
Comment: This variant is considered pathogenic. This variant creates a frameshift predicted to result in premature protein truncation.